The following is an entry in ClinVar:

NM_178013.4(PRIMA1):c.270G>A (p.Trp90Ter)

Gene: PRIMA1 (proline rich membrane anchor 1; minus strand). Cytogenetic location: 14q32.12.
Variant type: single nucleotide variant.
Coding change: c.270G>A on transcript NM_178013.4 (MANE Select); coding-DNA position 270, G replaced by A.
Protein change: p.Trp90Ter; replaces tryptophan 90 with a stop codon.
Molecular consequence: nonsense.
Genome position (GRCh38, 1-based): chr14:93,737,330, C>T on the plus strand (G>A on the coding strand, the complement: PRIMA1 is on the minus strand). VCF-style: chr14-93737330-C-T. GRCh37 (hg19) VCF-style: chr14-94203676-C-T.
Other names: short protein forms W90*.
Identifiers: ClinVar variation 1496815 (VCV001496815.6), dbSNP rs2141161066, ClinGen allele CA390821273.

ClinVar aggregate classification (germline): Pathogenic (1 of 4 stars; one submission).

Conditions:
Familial sleep-related hypermotor epilepsy. Also called: Autosomal Dominant Sleep-Related Hypermotor (Hyperkinetic) Epilepsy. Identifiers: Orphanet 98784, MedGen C3696898, MONDO:0000030.

Submission:

Labcorp Genetics (formerly Invitae), Labcorp
Classification: Pathogenic for Familial sleep-related hypermotor epilepsy. Last evaluated: 2024-01-24. Review status: criteria provided, single submitter. Criteria: Invitae Variant Classification Sherloc (09022015). Collection method: clinical testing. Allele origin: germline.
Comment: This sequence change creates a premature translational stop signal (p.Trp90*) in the PRIMA1 gene. It is expected to result in an absent or disrupted protein product. Loss-of-function variants in PRIMA1 are known to be pathogenic (PMID: 26339676). This variant is not present in population databases (gnomAD no frequency). This variant has not been reported in the literature in individuals affected with PRIMA1-related conditions. ClinVar contains an entry for this variant (Variation ID: 1496815). For these reasons, this variant has been classified as Pathogenic.

Literature cited by the submitters: PubMed 26339676.